The following is an entry in ClinVar:

NM_000494.4(COL17A1):c.1817G>A (p.Gly606Asp)

Gene: COL17A1 (collagen type XVII alpha 1 chain; minus strand). Cytogenetic location: 10q25.1.
Variant type: single nucleotide variant.
Coding change: c.1817G>A on transcript NM_000494.4 (MANE Select); coding-DNA position 1817, G replaced by A.
Protein change: p.Gly606Asp; replaces glycine 606 with aspartic acid.
Molecular consequence: missense variant.
Genome position (GRCh38, 1-based): chr10:104,053,937, C>T on the plus strand (G>A on the coding strand, the complement: COL17A1 is on the minus strand). VCF-style: chr10-104053937-C-T. GRCh37 (hg19) VCF-style: chr10-105813695-C-T.
Other names: short protein forms G606D.
Identifiers: ClinVar variation 4685094 (VCV004685094.1).
Genomic context (GRCh38, chr10:104,053,937, plus strand): 5'-AAAGAATGAGGAATAAATGAATAAAGAAAAATGTGTTTCTTACCCACGCTGCCTTTTTGA[C>T]CCTTTGGTCCTTGTGGACCTGGGTGGCCCAAGGGCCCAGGGATACCTGTGAACACACAAG-3'
Protein context (NP_000485.3, residues 596-616): LGHPGPQGPK[Gly606Asp]QKGSVGDPGM

ClinVar aggregate classification (germline): Pathogenic (1 of 4 stars; one submission).

Submission:

GeneDx
Classification: Pathogenic. Last evaluated: 2025-07-11. Review status: criteria provided, single submitter. Criteria: GeneDx Variant Classification Process June 2021. Collection method: clinical testing. Allele origin: germline. Affected: yes.
Comment: Substitutions of the Glycine position within the canonical Gly-X-Y repeat in the collagenous carboxy-terminal domain of the protein destabilize the homomeric collagen 17 triple helix, leading to fragile hemidesmosomes and basement membrane zone (PMID: 20301481); Not observed at significant frequency in large population cohorts (gnomAD); In silico analysis supports that this missense variant has a deleterious effect on protein structure/function; This variant is associated with the following publications: (PMID: 33393081, 20301481)